The following is an entry in ClinVar:

NM_133259.4(LRPPRC):c.95dup (p.Arg33fs)

Gene: LRPPRC (leucine rich pentatricopeptide repeat containing; minus strand). Cytogenetic location: 2p21.
Variant type: Duplication.
Coding change: c.95dup on transcript NM_133259.4 (MANE Select); coding-DNA position 95, one base duplicated (G; older notation c.95dupG).
Protein change: p.Arg33fs; shifts the reading frame from arginine 33.
Molecular consequence: frameshift variant.
Genome position (GRCh38, 1-based): chr2:43,995,853, C duplicated on the plus strand (G on the coding strand, the reverse complement: LRPPRC is on the minus strand); the first of 3 consecutive C bases (chr2:43,995,853-43,995,855); duplicating any one gives the same sequence. VCF-style (leftmost placement, unchanged base first): chr2-43995852-G-GC. GRCh37 (hg19) VCF-style: chr2-44222991-G-GC.
Other names: short protein forms R33fs.
Identifiers: ClinVar variation 5012177 (VCV005012177.1).

ClinVar aggregate classification (germline): Pathogenic (1 of 4 stars; one submission).

Conditions:
Congenital lactic acidosis, Saguenay-Lac-Saint-Jean type (MC4DN5). Also called: CYTOCHROME c OXIDASE DEFICIENCY, FRENCH CANADIAN TYPE; COX DEFICIENCY, FRENCH CANADIAN TYPE; MITOCHONDRIAL COMPLEX IV DEFICIENCY, NUCLEAR TYPE 5. Identifiers: Orphanet 70472, MedGen C1857355, MONDO:0009069, OMIM 220111.

Submission:

Myriad Genetics, Inc.
Classification: Pathogenic for Congenital lactic acidosis, Saguenay-Lac-Saint-Jean type. Last evaluated: 2023-09-27. Review status: criteria provided, single submitter. Criteria: Myriad Autosomal Dominant, Autosomal Recessive and X-Linked Classification Criteria (2023). Collection method: clinical testing. Allele origin: unknown.
Comment: NM_133259.3(LRPPRC):c.95dupG(R33Pfs*45) is expected to be pathogenic in the context of Leigh syndrome, French-Canadian type. This variant is predicted to lead to an abnormal or absent protein product due to the creation of a premature termination codon in LRPPRC, a gene where loss-of-function variants are known to be pathogenic. Please note: this variant was assessed in the context of healthy population screening.